The following is an entry in ClinVar:

NM_006846.4(SPINK5):c.2326del (p.Glu776fs)

Gene: SPINK5 (serine peptidase inhibitor Kazal type 5; plus strand). Cytogenetic location: 5q32.
Variant type: Deletion.
Coding change: c.2326del on transcript NM_006846.4 (MANE Select); coding-DNA position 2326, one base deleted (G; older notation c.2326delG).
Protein change: p.Glu776fs; shifts the reading frame from glutamic acid 776.
Molecular consequence: frameshift variant.
Genome position (GRCh38, 1-based): chr5:148,120,021, G deleted. VCF-style (leftmost placement, unchanged base first): chr5-148120020-TG-T. GRCh37 (hg19) VCF-style: chr5-147499583-TG-T.
Other names: c.2326del, p.Glu776fs (NM_001127698.2, NM_001127699.2); c.2326delG (NM_006846.3); short protein forms E776fs.
Identifiers: ClinVar variation 430175 (VCV000430175.2), dbSNP rs1131691815, ClinGen allele CA645369387.

ClinVar aggregate classification (germline): Pathogenic (1 of 4 stars; one submission).

Submission:

GeneDx
Classification: Pathogenic. Last evaluated: 2017-05-19. Review status: criteria provided, single submitter. Criteria: GeneDx Variant Classification (06012015). Collection method: clinical testing. Allele origin: germline. Affected: yes.
Comment: The c.2326delG variant in the SPINK5 gene has not been reported previously as a pathogenic variant nor as a benign variant, to our knowledge. The c.2326delG variant causes a frameshift starting with codon Glutamic Acid 776, changes this amino acid to a Serine residue, and creates a premature Stop codon at position 6 of the new reading frame, denoted p.Glu776SerfsX6. This variant is predicted to cause loss of normal protein function either through protein truncation or nonsense-mediated mRNA decay. The c.2326delG variant is not observed in large population cohorts (Lek et al., 2016; 1000 Genomes Consortium et al., 2015; Exome Variant Server). We interpret c.2326delG as a pathogenic variant.